The following is an entry in ClinVar:

ClinVar aggregate classification (germline): Likely benign. Review status: criteria provided, multiple submitters, no conflicts (2 of 4 stars). 2 submissions from 2 submitters: Likely benign (2). Last evaluated 2026-01-27.

Conditions:
Pheochromocytoma/paraganglioma syndrome 3. Also called: GLOMUS TUMORS, FAMILIAL, 3; Paragangliomas 3; SDHC-Related Hereditary Paraganglioma-Pheochromocytoma Syndrome (Paragangliomas 3); SDHC-Related Hereditary Paraganglioma-Pheochromocytoma Syndrome. Identifiers: Orphanet 29072, MedGen C1854336, MONDO:0011544, OMIM 605373.
Gastrointestinal stromal tumor. Also called: Gastrointestinal stroma tumor; Gastrointestinal stromal tumor, somatic. Identifiers: Orphanet 44890, MedGen C0238198, MeSH D046152, MONDO:0011719, OMIM 606764, HP:0100723.

Allele frequency attached by ClinVar (database versions not stated): gnomAD exomes 0.00002.

Submissions (2):

Labcorp Genetics (formerly Invitae), Labcorp
Classification: Likely benign for Pheochromocytoma/paraganglioma syndrome 3; Gastrointestinal stromal tumor. Last evaluated: 2026-01-27. Review status: criteria provided, single submitter. Criteria: Invitae Variant Classification Sherloc (09022015). Collection method: clinical testing. Allele origin: germline.

Myriad Genetics, Inc.
Classification: Likely benign for Pheochromocytoma/paraganglioma syndrome 3. Last evaluated: 2025-03-14. Review status: criteria provided, single submitter. Criteria: Myriad Autosomal Dominant, Autosomal Recessive and X-Linked Classification Criteria (2023). Collection method: clinical testing. Allele origin: unknown.
Comment: This variant is considered likely benign. This variant is intronic and is not expected to impact mRNA splicing.

NM_003001.5(SDHC):c.21-9A>G

Gene: SDHC (succinate dehydrogenase complex subunit C; plus strand). Cytogenetic location: 1q23.3.
Variant type: single nucleotide variant.
Coding change: c.21-9A>G on transcript NM_003001.5 (MANE Select); 9 bases into the intron before coding-DNA position 21, A replaced by G.
Molecular consequence: intron variant.
Genome position (GRCh38, 1-based): chr1:161,323,605, A>G. VCF-style: chr1-161323605-A-G. GRCh37 (hg19) VCF-style: chr1-161293395-A-G.
Other names: c.-91-9A>G (NM_001407119.1); c.-209-9A>G (NM_001407120.1); c.21-9A>G (NM_001407115.1, NM_001035511.3, NM_001035512.3 and 2 more transcripts); c.21-4791A>G (NM_001407116.1, NM_001407121.1, NM_001407117.1); c.20+9180A>G (NM_001035513.3).
Identifiers: ClinVar variation 1133061 (VCV001133061.11), dbSNP rs2102295295, ClinGen allele CA2499214275.